The following is an entry in ClinVar:

ClinVar aggregate classification (germline): Uncertain significance (1 of 4 stars; one submission).

Submission:

Labcorp Genetics (formerly Invitae), Labcorp
Classification: Uncertain significance. Last evaluated: 2023-08-10. Review status: criteria provided, single submitter. Criteria: Invitae Variant Classification Sherloc (09022015). Collection method: clinical testing. Allele origin: germline.
Comment: This variant has not been reported in the literature in individuals affected with ZNF341-related conditions. This variant is not present in population databases (gnomAD no frequency). This sequence change replaces valine, which is neutral and non-polar, with alanine, which is neutral and non-polar, at codon 220 of the ZNF341 protein (p.Val220Ala). An algorithm developed to predict the effect of missense changes on protein structure and function (PolyPhen-2) suggests that this variant is likely to be disruptive. In summary, the available evidence is currently insufficient to determine the role of this variant in disease. Therefore, it has been classified as a Variant of Uncertain Significance.

NM_001282933.2(ZNF341):c.659T>C (p.Val220Ala)

Gene: ZNF341 (zinc finger protein 341; plus strand). Cytogenetic location: 20q11.22.
Variant type: single nucleotide variant.
Coding change: c.659T>C on transcript NM_001282933.2 (MANE Select); coding-DNA position 659, T replaced by C.
Protein change: p.Val220Ala; replaces valine 220 with alanine.
Molecular consequence: missense variant. On other transcripts: non-coding transcript variant (1).
Genome position (GRCh38, 1-based): chr20:33,753,341, T>C. VCF-style: chr20-33753341-T-C. GRCh37 (hg19) VCF-style: chr20-32341147-T-C.
Other names: c.389T>C, p.Val130Ala (NM_001282935.2); c.659T>C, p.Val220Ala (NM_032819.5); short protein forms V130A, V220A.
Identifiers: ClinVar variation 2833008 (VCV002833008.3), dbSNP rs2515465001, ClinGen allele CA408649929.